The following is an entry in ClinVar:

NM_004990.4(MARS1):c.1016T>C (p.Ile339Thr)

Gene: MARS1 (methionyl-tRNA synthetase 1; plus strand). Cytogenetic location: 12q13.3.
Variant type: single nucleotide variant.
Coding change: c.1016T>C on transcript NM_004990.4 (MANE Select); coding-DNA position 1016, T replaced by C.
Protein change: p.Ile339Thr; replaces isoleucine 339 with threonine.
Molecular consequence: missense variant.
Genome position (GRCh38, 1-based): chr12:57,498,548, T>C. VCF-style: chr12-57498548-T-C. GRCh37 (hg19) VCF-style: chr12-57892331-T-C.
Other names: c.1016T>C (NM_004990.3); short protein forms I339T.
Identifiers: ClinVar variation 2166710 (VCV002166710.5), dbSNP rs750435466, ClinGen allele CA6650386.

ClinVar aggregate classification (germline): Uncertain significance. Review status: criteria provided, multiple submitters, no conflicts (2 of 4 stars). 2 submissions from 2 submitters: Uncertain significance (2). Last evaluated 2025-08-10.

Conditions:
Severe early-onset pulmonary alveolar proteinosis due to MARS deficiency. Also called: PULMONARY ALVEOLAR PROTEINOSIS, REUNION ISLAND; Interstitial lung and liver disease. Identifiers: Orphanet 440427, MedGen C4225400, MONDO:0014206, OMIM 615486.
Charcot-Marie-Tooth disease axonal type 2U. Also called: CHARCOT-MARIE-TOOTH NEUROPATHY, TYPE 2U; CHARCOT-MARIE-TOOTH DISEASE, AXONAL, AUTOSOMAL DOMINANT, TYPE 2U. Identifiers: Orphanet 397735, MedGen C4084821, MONDO:0014566, OMIM 616280.

Allele frequency attached by ClinVar (database versions not stated): gnomAD 0.00001; gnomAD exomes 0.00001; TOPMed 0.00001; ExAC 0.00002.
gnomAD v4.1: 6 of 1,614,082 alleles (0.00037%); highest among the groups gnomAD compares: Admixed American, 0.0033%; no homozygotes.

Submissions (2):

Ambry Genetics
Classification: Uncertain significance. Last evaluated: 2025-08-10. Review status: criteria provided, single submitter. Criteria: Ambry Variant Classification Scheme 2023. Collection method: clinical testing. Allele origin: germline.

Labcorp Genetics (formerly Invitae), Labcorp
Classification: Uncertain significance for Charcot-Marie-Tooth disease axonal type 2U; Severe early-onset pulmonary alveolar proteinosis due to MARS deficiency. Last evaluated: 2023-07-22. Review status: criteria provided, single submitter. Criteria: Invitae Variant Classification Sherloc (09022015). Collection method: clinical testing. Allele origin: germline.
Comment: An algorithm developed to predict the effect of missense changes on protein structure and function (PolyPhen-2) suggests that this variant is likely to be disruptive. In summary, the available evidence is currently insufficient to determine the role of this variant in disease. Therefore, it has been classified as a Variant of Uncertain Significance. ClinVar contains an entry for this variant (Variation ID: 2166710). This variant has not been reported in the literature in individuals affected with MARS-related conditions. This variant is present in population databases (rs750435466, gnomAD 0.006%). This sequence change replaces isoleucine, which is neutral and non-polar, with threonine, which is neutral and polar, at codon 339 of the MARS protein (p.Ile339Thr).